The following is an entry in ClinVar:

ClinVar aggregate classification (germline): Pathogenic/Likely pathogenic. Review status: criteria provided, multiple submitters, no conflicts (2 of 4 stars). 3 submissions from 3 submitters: Pathogenic (2); Likely pathogenic (1). Last evaluated 2022-03-14.

Conditions:
Hereditary cancer-predisposing syndrome. Also called: Hereditary Cancer Syndrome; Hereditary neoplastic syndrome; Neoplastic Syndromes, Hereditary; Tumor predisposition. Identifiers: Orphanet 140162, MedGen C0027672, MeSH D009386, MONDO:0015356.
Hereditary breast ovarian cancer syndrome. Also called: BRCA1- and BRCA2-Associated Hereditary Breast and Ovarian Cancer; Hereditary breast and ovarian cancer syndrome (HBOC); Hereditary breast and ovarian cancer syndrome; Breast and ovarian cancer; Hereditary breast and ovarian cancer; Hereditary breast and/or ovarian cancer syndrome. Identifiers: Orphanet 145, MedGen C0677776, MeSH D061325, MONDO:0003582. Disease mechanism: loss of function.
Breast-ovarian cancer, familial, susceptibility to, 1 (BROVCA1). Also called: OVARIAN CANCER, SUSCEPTIBILITY TO; BRCA1 Hereditary Breast and Ovarian Cancer. Identifiers: Orphanet 145, MedGen C2676676, MONDO:0011450, OMIM 604370. Disease mechanism: loss of function.

Allele frequency attached by ClinVar (database versions not stated): gnomAD exomes below 0.00001.

Submissions (3):

Women's Health and Genetics/Laboratory Corporation of America, LabCorp
Classification: Likely pathogenic for Hereditary breast ovarian cancer syndrome. Last evaluated: 2022-03-14. Review status: criteria provided, single submitter. Criteria: LabCorp Variant Classification Summary - May 2015. Collection method: clinical testing. Allele origin: germline.
Comment: Variant summary: BRCA1 c.131_132delGC (p.Cys44X) results in a premature termination codon, predicted to cause a truncation of the encoded protein or absence of the protein due to nonsense mediated decay, which are commonly known mechanisms for disease. Truncations downstream of this position have been classified as pathogenic by our laboratory. The variant was absent in 250508 control chromosomes (gnomAD). c.131_132delGC has been reported in the literature in individuals affected with Hereditary Breast And Ovarian Cancer Syndrome (Nomura_2021, Milanezi_2019). These data indicate that the variant may be associated with disease. To our knowledge, no experimental evidence demonstrating an impact on protein function has been reported. Two ClinVar submitters have assessed the variant since 2014: both classified the variant as pathogenic. Based on the evidence outlined above, the variant was classified as likely pathogenic.

Ambry Genetics
Classification: Pathogenic for Hereditary cancer-predisposing syndrome. Last evaluated: 2021-06-21. Review status: criteria provided, single submitter. Criteria: Ambry Variant Classification Scheme 2023. Collection method: clinical testing. Allele origin: germline.
Comment: The c.131_132delGC pathogenic mutation, located in coding exon 2 of the BRCA1 gene, results from a deletion of two nucleotides at nucleotide positions 131 to 132, causing a translational frameshift with a predicted alternate stop codon (p.C44*). This alteration is expected to result in loss of function by premature protein truncation or nonsense-mediated mRNA decay. As such, this alteration is interpreted as a disease-causing mutation.

Mendelics
Classification: Pathogenic for Breast-ovarian cancer, familial, susceptibility to, 1. Last evaluated: 2019-05-28. Review status: criteria provided, single submitter. Criteria: Mendelics Assertion Criteria 2017. Collection method: clinical testing. Allele origin: unknown.

Literature cited by the submitters: PubMed 34453642 (cited by Women's Health and Genetics/Laboratory Corporation of America, LabCorp).

NM_007294.4(BRCA1):c.131_132del (p.Phe43_Cys44insTer)

Gene: BRCA1 (BRCA1 DNA repair associated; minus strand). Cytogenetic location: 17q21.31.
Variant type: Deletion.
Coding change: c.131_132del on transcript NM_007294.4 (MANE Select); coding-DNA positions 131 to 132, 2 bases deleted (GC; older notation c.131_132delGC).
Protein change: p.Phe43_Cys44insTer.
Molecular consequence: nonsense. On other transcripts: frameshift variant (193), non-coding transcript variant (1), intron variant (1).
Genome position (GRCh38, 1-based): chr17:43,115,728-43,115,729, GC deleted on the plus strand (GC on the coding strand, the reverse complement: BRCA1 is on the minus strand). VCF-style (leftmost placement, unchanged base first): chr17-43115727-TGC-T. GRCh37 (hg19) VCF-style: chr17-41267744-TGC-T.
Other names: c.-11_-10delGC (NM_001407838.1, NM_001407839.1, NM_001407844.1 and 47 more transcripts); c.-127_-126delGC (NM_001407842.1, NM_001407843.1, NM_001407930.1 and 13 more transcripts); c.-58_-57delGC (NM_001407853.1, NM_001407879.1, NM_001407882.1 and 52 more transcripts); c.131_132delGC, p.Cys44Terfs (NM_001407854.1, NM_001407858.1, NM_001407859.1 and 190 more transcripts); c.-174_-173delGC (NM_001407889.1, NM_001407900.1, NM_001408492.1); c.-173_-172delGC (NM_001407960.1, NM_001407962.1, NM_001408510.1 and 1 more transcripts); c.-289_-288delGC (NM_001407965.1); c.-131_-130delGC (NM_001408465.1, NM_001407695.1); and 2 more.
Identifiers: ClinVar variation 803420 (VCV000803420.7), dbSNP rs1597911705, ClinGen allele CA915950078.